The following is an entry in ClinVar:

ClinVar aggregate classification (germline): Uncertain significance (1 of 4 stars; one submission).

Conditions:
Charcot-Marie-Tooth disease axonal type 2V. Also called: CHARCOT-MARIE-TOOTH NEUROPATHY, TYPE 2V; CHARCOT-MARIE-TOOTH DISEASE, AXONAL, AUTOSOMAL DOMINANT, TYPE 2V. Identifiers: Orphanet 447964, MedGen C5569050, MONDO:0014665, OMIM 616491.
Mucopolysaccharidosis, MPS-III-B (MPS3B). Also called: MUCOPOLYSACCHARIDOSIS, TYPE IIIB; Mucopolysaccharidosis type IIIB (Sanfilippo B); N-ACETYL-ALPHA-D-GLUCOSAMINIDASE DEFICIENCY; NAGLU DEFICIENCY; SANFILIPPO SYNDROME B; MPS III B. Identifiers: Orphanet 79270, MedGen C0086648, MONDO:0009656, OMIM 252920.

Submission:

Labcorp Genetics (formerly Invitae), Labcorp
Classification: Uncertain significance for Charcot-Marie-Tooth disease axonal type 2V; Mucopolysaccharidosis, MPS-III-B. Last evaluated: 2022-08-05. Review status: criteria provided, single submitter. Criteria: Invitae Variant Classification Sherloc (09022015). Collection method: clinical testing. Allele origin: germline.
Comment: This sequence change replaces arginine, which is basic and polar, with lysine, which is basic and polar, at codon 495 of the NAGLU protein (p.Arg495Lys). This variant is not present in population databases (gnomAD no frequency). This variant has not been reported in the literature in individuals affected with NAGLU-related conditions. Advanced modeling of protein sequence and biophysical properties (such as structural, functional, and spatial information, amino acid conservation, physicochemical variation, residue mobility, and thermodynamic stability) performed at Invitae indicates that this missense variant is not expected to disrupt NAGLU protein function. In summary, the available evidence is currently insufficient to determine the role of this variant in disease. Therefore, it has been classified as a Variant of Uncertain Significance.

NM_000263.4(NAGLU):c.1484G>A (p.Arg495Lys)

Gene: NAGLU (N-acetyl-alpha-glucosaminidase; plus strand). Cytogenetic location: 17q21.2.
Variant type: single nucleotide variant.
Coding change: c.1484G>A on transcript NM_000263.4 (MANE Select); coding-DNA position 1484, G replaced by A.
Protein change: p.Arg495Lys; replaces arginine 495 with lysine.
Molecular consequence: missense variant.
Genome position (GRCh38, 1-based): chr17:42,543,490, G>A. VCF-style: chr17-42543490-G-A. GRCh37 (hg19) VCF-style: chr17-40695508-G-A.
Other names: short protein forms R495K.
Identifiers: ClinVar variation 1715193 (VCV001715193.3), dbSNP rs1167097629, ClinGen allele CA399603960.